The following is an entry in ClinVar:

NM_000124.4(ERCC6):c.43C>T (p.Gln15Ter)

Gene: ERCC6 (ERCC excision repair 6, chromatin remodeling factor; minus strand). Cytogenetic location: 10q11.23.
Variant type: single nucleotide variant.
Coding change: c.43C>T on transcript NM_000124.4 (MANE Select); coding-DNA position 43, C replaced by T.
Protein change: p.Gln15Ter; replaces glutamine 15 with a stop codon.
Molecular consequence: nonsense.
Genome position (GRCh38, 1-based): chr10:49,532,922, G>A on the plus strand (C>T on the coding strand, the complement: ERCC6 is on the minus strand). VCF-style: chr10-49532922-G-A. GRCh37 (hg19) VCF-style: chr10-50740968-G-A.
Other names: c.43C>T, p.Gln15Ter (NM_001277058.2, NM_001277059.2, NM_001346440.2); short protein forms Q15*.
Identifiers: ClinVar variation 2089878 (VCV002089878.4), dbSNP rs2496175259, ClinGen allele CA376714951.
Genomic context (GRCh38, chr10:49,532,922, plus strand): 5'-TTTCTTGCTTGATTGCCATTTCTTCATTATTACTGACAGGTTGACTCTGTAAACAGTCTT[G>A]CTCCTGAGTTTGACTTGAGTGGGGGATTCCCTCATTTGGCATTCTCTACAGACTACCTAA-3'

ClinVar aggregate classification (germline): Pathogenic (1 of 4 stars; one submission).

Submission:

Labcorp Genetics (formerly Invitae), Labcorp
Classification: Pathogenic. Last evaluated: 2025-10-01. Review status: criteria provided, single submitter. Criteria: Invitae Variant Classification Sherloc (09022015). Collection method: clinical testing. Allele origin: germline.
Comment: This sequence change creates a premature translational stop signal (p.Gln15*) in the ERCC6 gene. It is expected to result in an absent or disrupted protein product. Loss-of-function variants in ERCC6 are known to be pathogenic (PMID: 18628313, 29572252). This variant is not present in population databases (gnomAD no frequency). This variant has not been reported in the literature in individuals affected with ERCC6-related conditions. ClinVar contains an entry for this variant (Variation ID: 2089878). For these reasons, this variant has been classified as Pathogenic.

Literature cited by the submitters: PubMed 18628313; PubMed 29572252.